The following is an entry in ClinVar:

NM_006941.4(SOX10):c.355C>G (p.Arg119Gly)

Genes: POLR2F (RNA polymerase II, I and III subunit F; plus strand), SOX10 (SRY-box transcription factor 10; minus strand). Cytogenetic location: 22q13.1.
Variant type: single nucleotide variant.
Coding change: c.355C>G on transcript NM_006941.4 (MANE Select); coding-DNA position 355, C replaced by G.
Protein change: p.Arg119Gly; replaces arginine 119 with glycine.
Molecular consequence: missense variant. On other transcripts: intron variant (3).
Genome position (GRCh38, 1-based): chr22:37,983,430, G>C on the plus strand (C>G on the coding strand, the complement: SOX10 is on the minus strand). VCF-style: chr22-37983430-G-C. GRCh37 (hg19) VCF-style: chr22-38379437-G-C.
Other names: c.*38+11120G>C (NM_001363825.1); c.294-2724G>C (NM_001301130.2); c.293+16260G>C (NM_001301131.2); short protein forms R119G.
Identifiers: ClinVar variation 2029320 (VCV002029320.4), dbSNP rs2518052385, ClinGen allele CA411500420.
Genomic context (GRCh38, chr22:37,983,430, plus strand): 5'-CCAGCGTCTTGCTGAGCTCAGCGTTGTGCAGGTGCGGGTACTGGTCCGCGAGCTTCCTGC[G>C]CGCTGCCTGAGCCCACACCATGAAGGCGTTCATGGGCCGCTTGACGTGCGGCTTGCTTTT-3'
Protein context (NP_008872.1, residues 109-129): NAFMVWAQAA[Arg119Gly]RKLADQYPHL

ClinVar aggregate classification (germline): Pathogenic (1 of 4 stars; one submission).

Submission:

Labcorp Genetics (formerly Invitae), Labcorp
Classification: Pathogenic. Last evaluated: 2022-09-07. Review status: criteria provided, single submitter. Criteria: Invitae Variant Classification Sherloc (09022015). Collection method: clinical testing. Allele origin: germline.
Comment: This sequence change replaces arginine, which is basic and polar, with glycine, which is neutral and non-polar, at codon 119 of the SOX10 protein (p.Arg119Gly). This variant is not present in population databases (gnomAD no frequency). This missense change has been observed in individual(s) with SOX10-related conditions (Invitae). In at least one individual the variant was observed to be de novo. Algorithms developed to predict the effect of missense changes on protein structure and function are either unavailable or do not agree on the potential impact of this missense change (SIFT: "Deleterious"; PolyPhen-2: "Probably Damaging"; Align-GVGD: "Class C0"). This variant disrupts the p.Arg119 amino acid residue in SOX10. Other variant(s) that disrupt this residue have been determined to be pathogenic (PMID: 33865100). This suggests that this residue is clinically significant, and that variants that disrupt this residue are likely to be disease-causing. For these reasons, this variant has been classified as Pathogenic.

Literature cited by the submitters: PubMed 33865100.